The following is an entry in ClinVar:

NM_004628.5(XPC):c.362del (p.Asp121fs)

Gene: XPC (XPC complex subunit, DNA damage recognition and repair factor; minus strand). Cytogenetic location: 3p25.1.
Variant type: Deletion.
Coding change: c.362del on transcript NM_004628.5 (MANE Select); coding-DNA position 362, one base deleted (A; older notation c.362delA).
Protein change: p.Asp121fs; shifts the reading frame from aspartic acid 121.
Molecular consequence: frameshift variant. On other transcripts: 5 prime UTR variant (1), non-coding transcript variant (2).
Genome position (GRCh38, 1-based): chr3:14,170,488, T deleted on the plus strand (A on the coding strand, the reverse complement: XPC is on the minus strand). VCF-style (leftmost placement, unchanged base first): chr3-14170487-GT-G. GRCh37 (hg19) VCF-style: chr3-14211987-GT-G.
Other names: c.-94del (NM_001354726.2); c.362del, p.Asp121fs (NM_001354727.2, NM_001354730.2); c.344del, p.Asp115fs (NM_001354729.2); short protein forms D115fs, D121fs.
Identifiers: ClinVar variation 2679647 (VCV002679647.5), dbSNP rs753506183, ClinGen allele CA2267735.

ClinVar aggregate classification (germline): Pathogenic/Likely pathogenic. Review status: criteria provided, multiple submitters, no conflicts (2 of 4 stars). 3 submissions from 3 submitters: Pathogenic (2); Likely pathogenic (1). Last evaluated 2024-03-13.

Conditions:
Xeroderma pigmentosum, group C (XPC). Also called: XPC-Related Xeroderma Pigmentosum; Xeroderma pigmentosum, complementation group C; XERODERMA PIGMENTOSUM III; XP, GROUP C. Identifiers: Orphanet 910, MedGen C2752147, MONDO:0010211, OMIM 278720.

Allele frequency attached by ClinVar (database versions not stated): gnomAD exomes below 0.00001; ExAC 0.00001; gnomAD 0.00001.

Submissions (3):

Fulgent Genetics
Classification: Likely pathogenic for Xeroderma pigmentosum, group C. Last evaluated: 2024-03-13. Review status: criteria provided, single submitter. Criteria: ACMG Guidelines, 2015. Collection method: clinical testing. Allele origin: germline.

Labcorp Genetics (formerly Invitae), Labcorp
Classification: Pathogenic. Last evaluated: 2023-11-02. Review status: criteria provided, single submitter. Criteria: Invitae Variant Classification Sherloc (09022015). Collection method: clinical testing. Allele origin: germline.
Comment: This sequence change creates a premature translational stop signal (p.Asp121Alafs*27) in the XPC gene. It is expected to result in an absent or disrupted protein product. Loss-of-function variants in XPC are known to be pathogenic (PMID: 23173980, 25256075). This variant is present in population databases (rs753506183, gnomAD 0.002%). This premature translational stop signal has been observed in individual(s) with xeroderma pigmentosum (PMID: 16990803). For these reasons, this variant has been classified as Pathogenic.

Baylor Genetics
Classification: Pathogenic for Xeroderma pigmentosum, group C. Last evaluated: 2023-05-24. Review status: criteria provided, single submitter. Criteria: ACMG Guidelines, 2015. Collection method: clinical testing. Allele origin: unknown.

Literature cited by the submitters: PubMed 23173980 (cited by Labcorp Genetics (formerly Invitae), Labcorp); PubMed 25256075 (cited by Labcorp Genetics (formerly Invitae), Labcorp); PubMed 16990803 (cited by Labcorp Genetics (formerly Invitae), Labcorp).